The following is an entry in ClinVar:

NM_015102.5(NPHP4):c.796G>A (p.Asp266Asn)

Gene: NPHP4 (nephrocystin 4; minus strand). Cytogenetic location: 1p36.31.
Variant type: single nucleotide variant.
Coding change: c.796G>A on transcript NM_015102.5 (MANE Select); coding-DNA position 796, G replaced by A.
Protein change: p.Asp266Asn; replaces aspartic acid 266 with asparagine.
Molecular consequence: missense variant. On other transcripts: 5 prime UTR variant (1), non-coding transcript variant (1), intron variant (1).
Genome position (GRCh38, 1-based): chr1:5,952,714, C>T on the plus strand (G>A on the coding strand, the complement: NPHP4 is on the minus strand). VCF-style: chr1-5952714-C-T. GRCh37 (hg19) VCF-style: chr1-6012774-C-T.
Other names: c.-571G>A (NM_001291594.2); c.-556-4463G>A (NM_001291593.2); short protein forms D266N.
Identifiers: ClinVar variation 1043027 (VCV001043027.9), dbSNP rs372493501, ClinGen allele CA17161213.

ClinVar aggregate classification (germline): Uncertain significance. Review status: criteria provided, multiple submitters, no conflicts (2 of 4 stars). 2 submissions from 2 submitters: Uncertain significance (2). Last evaluated 2025-07-27.

Conditions:
Nephronophthisis. Also called: Juvenile Nephronophthisis. Identifiers: Orphanet 655, MedGen C0687120, MONDO:0019005, HP:0000090.

Allele frequency attached by ClinVar (database versions not stated): gnomAD 0.00001; gnomAD exomes 0.00001; TOPMed 0.00002; ESP Exome Variant Server 0.00008.
gnomAD v4.1: 9 of 1,545,300 alleles (0.00058%); highest among the groups gnomAD compares: Non-Finnish European, 0.0007%; no homozygotes.

Submissions (2):

Labcorp Genetics (formerly Invitae), Labcorp
Classification: Uncertain significance for Nephronophthisis. Last evaluated: 2025-07-27. Review status: criteria provided, single submitter. Criteria: Invitae Variant Classification Sherloc (09022015). Collection method: clinical testing. Allele origin: germline.
Comment: This sequence change replaces aspartic acid, which is acidic and polar, with asparagine, which is neutral and polar, at codon 266 of the NPHP4 protein (p.Asp266Asn). The frequency data for this variant in the population databases is considered unreliable, as metrics indicate poor data quality at this position in the gnomAD database. This variant has not been reported in the literature in individuals affected with NPHP4-related conditions. ClinVar contains an entry for this variant (Variation ID: 1043027). Invitae Evidence Modeling of protein sequence and biophysical properties (such as structural, functional, and spatial information, amino acid conservation, physicochemical variation, residue mobility, and thermodynamic stability) indicates that this missense variant is expected to disrupt NPHP4 protein function with a positive predictive value of 80%. In summary, the available evidence is currently insufficient to determine the role of this variant in disease. Therefore, it has been classified as a Variant of Uncertain Significance.

Blueprint Genetics
Classification: Uncertain significance. Last evaluated: 2018-12-11. Review status: criteria provided, single submitter. Criteria: ACMG Guidelines, 2015. Collection method: clinical testing. Allele origin: germline.